The following is an entry in ClinVar:

ClinVar aggregate classification (germline): Likely benign (1 of 4 stars; one submission).

Submission:

CeGaT Center for Human Genetics Tuebingen
Classification: Likely benign. Last evaluated: 2026-03-01. Review status: criteria provided, single submitter. Criteria: CeGaT Center For Human Genetics Tuebingen Variant Classification Criteria Version 2. Collection method: clinical testing. Allele origin: germline. Affected: yes. Observed: 1 variant allele.
Comment: HECTD4: PM2:Supporting, BP4, BP7

NM_001388303.1(HECTD4):c.8706C>T (p.His2902=)

Gene: HECTD4 (HECT domain E3 ubiquitin protein ligase 4; minus strand). Cytogenetic location: 12q24.13.
Variant type: single nucleotide variant.
Coding change: c.8706C>T on transcript NM_001388303.1 (MANE Select); coding-DNA position 8706, C replaced by T.
Protein change: p.His2902=; no amino-acid change (histidine 2902 retained).
Molecular consequence: synonymous variant.
Genome position (GRCh38, 1-based): chr12:112,194,928, G>A on the plus strand (C>T on the coding strand, the complement: HECTD4 is on the minus strand). VCF-style: chr12-112194928-G-A. GRCh37 (hg19) VCF-style: chr12-112632732-G-A.
Other names: c.8736C>T, p.His2912= (NM_001109662.4).
Identifiers: ClinVar variation 4823726 (VCV004823726.4).